The following is an entry in ClinVar:

NM_000548.5(TSC2):c.4786G>A (p.Gly1596Ser)

Gene: TSC2 (TSC complex subunit 2; plus strand). Cytogenetic location: 16p13.3.
Variant type: single nucleotide variant.
Coding change: c.4786G>A on transcript NM_000548.5 (MANE Select); coding-DNA position 4786, G replaced by A.
Protein change: p.Gly1596Ser; replaces glycine 1596 with serine.
Molecular consequence: missense variant. On other transcripts: non-coding transcript variant (5).
Genome position (GRCh38, 1-based): chr16:2,086,316, G>A. VCF-style: chr16-2086316-G-A. GRCh37 (hg19) VCF-style: chr16-2136317-G-A.
Other names: c.4585G>A, p.Gly1529Ser (NM_001077183.3); c.4717G>A, p.Gly1573Ser (NM_001114382.3); c.4477G>A, p.Gly1493Ser (NM_001318827.2); c.4441G>A, p.Gly1481Ser (NM_001318829.2); c.4054G>A, p.Gly1352Ser (NM_001318831.2); c.4618G>A, p.Gly1540Ser (NM_001318832.2); c.4588G>A, p.Gly1530Ser (NM_001363528.2); c.4654G>A, p.Gly1552Ser (NM_001370404.1); and 26 more; short protein forms G1082S, G1104S, G1396S, G1480S, G1523S, G1524S, G1529S, G1530S.
Identifiers: ClinVar variation 4556923 (VCV004556923.1).
Genomic context (GRCh38, chr16:2,086,316, plus strand): 5'-ACGGGCCTGGGCCGGCTCATCGAGCTGAAGGACTGCCAGCCGGACAAGGTGTACCTGGGA[G>A]GCCTGGACGTGTGTGGTGAGGACGGCCAGTTCACCTACTGCTGGCACGATGACATCATGC-3'
Protein context (NP_000539.2, residues 1586-1606): DCQPDKVYLG[Gly1596Ser]LDVCGEDGQF

ClinVar aggregate classification (germline): Uncertain significance (1 of 4 stars; one submission).

Conditions:
Hereditary cancer-predisposing syndrome. Also called: Tumor predisposition; Hereditary Cancer Syndrome; Hereditary neoplastic syndrome; Neoplastic Syndromes, Hereditary. Identifiers: Orphanet 140162, MedGen C0027672, MeSH D009386, MONDO:0015356.

Submission:

Ambry Genetics
Classification: Uncertain significance for Hereditary cancer-predisposing syndrome. Last evaluated: 2025-10-22. Review status: criteria provided, single submitter. Criteria: Ambry Variant Classification Scheme 2023. Collection method: clinical testing. Allele origin: germline.
Comment: The p.G1596S variant (also known as c.4786G>A), located in coding exon 36 of the TSC2 gene, results from a G to A substitution at nucleotide position 4786. The glycine at codon 1596 is replaced by serine, an amino acid with similar properties. This amino acid position is highly conserved in available vertebrate species. In addition, this alteration is predicted to be deleterious by in silico analysis. Based on the available evidence, the clinical significance of this variant remains unclear.